The following is an entry in ClinVar:

ClinVar aggregate classification (germline): Uncertain significance. Review status: criteria provided, multiple submitters, no conflicts (2 of 4 stars). 2 submissions from 2 submitters: Uncertain significance (2). Last evaluated 2025-08-24.

Conditions:
Inborn genetic diseases. Identifiers: MedGen C0950123, MeSH D030342.
Leukodystrophy, hypomyelinating, 6. Also called: LEUKODYSTROPHY, HYPOMYELINATING, WITH ATROPHY OF THE BASAL GANGLIA AND CEREBELLUM; Hypomyelination with Atrophy of Basal Ganglia and Cerebellum (H-ABC); TUBB4A-Associated Leukodystrophy. Identifiers: Orphanet 139441, MedGen C2676244, MONDO:0012905, OMIM 612438.

Allele frequency attached by ClinVar (database versions not stated): TOPMed 0.00001.

Submissions (2):

Ambry Genetics
Classification: Uncertain significance for Inborn genetic diseases. Last evaluated: 2025-08-24. Review status: criteria provided, single submitter. Criteria: Ambry Variant Classification Scheme 2023. Collection method: clinical testing. Allele origin: germline.

Labcorp Genetics (formerly Invitae), Labcorp
Classification: Uncertain significance for Leukodystrophy, hypomyelinating, 6. Last evaluated: 2022-04-10. Review status: criteria provided, single submitter. Criteria: Invitae Variant Classification Sherloc (09022015). Collection method: clinical testing. Allele origin: germline.
Comment: Algorithms developed to predict the effect of missense changes on protein structure and function are either unavailable or do not agree on the potential impact of this missense change (SIFT: "Deleterious"; PolyPhen-2: "Benign"; Align-GVGD: "Class C0"). In summary, the available evidence is currently insufficient to determine the role of this variant in disease. Therefore, it has been classified as a Variant of Uncertain Significance. This variant has not been reported in the literature in individuals affected with TUBB4A-related conditions. This sequence change replaces valine, which is neutral and non-polar, with alanine, which is neutral and non-polar, at codon 333 of the TUBB4A protein (p.Val333Ala). This variant is not present in population databases (gnomAD no frequency).

NM_006087.4(TUBB4A):c.998T>C (p.Val333Ala)

Gene: TUBB4A (tubulin beta 4A class IVa; minus strand). Cytogenetic location: 19p13.3.
Variant type: single nucleotide variant.
Coding change: c.998T>C on transcript NM_006087.4 (MANE Select); coding-DNA position 998, T replaced by C.
Protein change: p.Val333Ala; replaces valine 333 with alanine.
Molecular consequence: missense variant.
Genome position (GRCh38, 1-based): chr19:6,495,501, A>G on the plus strand (T>C on the coding strand, the complement: TUBB4A is on the minus strand). VCF-style: chr19-6495501-A-G. GRCh37 (hg19) VCF-style: chr19-6495512-A-G.
Other names: c.1151T>C, p.Val384Ala (NM_001289123.2); c.1133T>C, p.Val378Ala (NM_001289127.2); c.998T>C, p.Val333Ala (NM_001289129.2); c.782T>C, p.Val261Ala (NM_001289130.2, NM_001289131.2); c.998T>C (NM_006087.2); short protein forms V261A, V378A, V384A, V333A.
Identifiers: ClinVar variation 1979410 (VCV001979410.5), dbSNP rs1914105777, ClinGen allele CA403589333.